The following is an entry in ClinVar:

ClinVar aggregate classification (germline): Uncertain significance (1 of 4 stars; one submission).

Conditions:
Inborn genetic diseases. Identifiers: MedGen C0950123, MeSH D030342.

Submission:

Ambry Genetics
Classification: Uncertain significance for Inborn genetic diseases. Last evaluated: 2023-12-31. Review status: criteria provided, single submitter. Criteria: Ambry Variant Classification Scheme 2023. Collection method: clinical testing. Allele origin: germline.
Comment: The p.I456M variant (also known as c.1368C>G), located in coding exon 10 of the BUB1B gene, results from a C to G substitution at nucleotide position 1368. The isoleucine at codon 456 is replaced by methionine, an amino acid with highly similar properties. This amino acid position is conserved. In addition, this alteration is predicted to be tolerated by in silico analysis. Since supporting evidence is limited at this time, the clinical significance of this alteration remains unclear.

NM_001211.6(BUB1B):c.1368C>G (p.Ile456Met)

Gene: BUB1B (BUB1 mitotic checkpoint serine/threonine kinase B; plus strand). Cytogenetic location: 15q15.1.
Variant type: single nucleotide variant.
Coding change: c.1368C>G on transcript NM_001211.6 (MANE Select); coding-DNA position 1368, C replaced by G.
Protein change: p.Ile456Met; replaces isoleucine 456 with methionine.
Molecular consequence: missense variant.
Genome position (GRCh38, 1-based): chr15:40,199,694, C>G. VCF-style: chr15-40199694-C-G. GRCh37 (hg19) VCF-style: chr15-40491895-C-G.
Other names: short protein forms I456M.
Identifiers: ClinVar variation 3221347 (VCV003221347.1), dbSNP rs201813238, ClinGen allele CA391689084.